The following is an entry in ClinVar:

ClinVar aggregate classification (germline): Conflicting classifications of pathogenicity. Review status: criteria provided, conflicting classifications (1 of 4 stars). 2 submissions from 2 submitters: Pathogenic (1); Uncertain significance (1). Last evaluated 2025-10-23.

Conditions:
Poirier-Bienvenu neurodevelopmental syndrome (POBINDS). Identifiers: Orphanet 689397, MedGen C5231482, MONDO:0032889, OMIM 618732.
Inborn genetic diseases. Identifiers: MedGen C0950123, MeSH D030342.

Submissions (2):

Ambry Genetics
Classification: Pathogenic for Inborn genetic diseases. Last evaluated: 2025-10-23. Review status: criteria provided, single submitter. Criteria: Ambry Variant Classification Scheme 2023. Collection method: clinical testing. Allele origin: germline.
Comment: The c.325T>C (p.C109R) alteration is located in exon 5 (coding exon 4) of the CSNK2B gene. This alteration results from a T to C substitution at nucleotide position 325, causing the cysteine (C) at amino acid position 109 to be replaced by an arginine (R). This variant was not reported in population-based cohorts in the Genome Aggregation Database (gnomAD). This variant was determined to be de novo in at least one individual with features consistent with CSNK2B-related neurodevelopmental disorder (Wen, 2022). This amino acid position is well conserved in available vertebrate species. This missense alteration is located in a region that has a low rate of benign missense variation (Lek, 2016; Firth, 2009). This alteration is predicted to be deleterious by in silico analysis. Based on the available evidence, this alteration is classified as pathogenic.

Victorian Clinical Genetics Services, Murdoch Childrens Research Institute
Classification: Uncertain significance for Poirier-Bienvenu neurodevelopmental syndrome. Last evaluated: 2020-05-25. Review status: criteria provided, single submitter. Criteria: ACMG Guidelines, 2015. Collection method: clinical testing. Allele origin: germline. Inheritance: Autosomal dominant inheritance. Affected: yes.
Comment: Based on the classification scheme VCGS_Germline_v1.1.1, this variant is classified as 3A-VUS. Following criteria are met: 0102 - Loss-of-function is a known mechanism of disease for this gene. (N) 0107 - This gene is known to be associated with autosomal dominant disease. (N) 0200 - Variant is predicted to result in a missense amino acid change from cysteine to arginine (exon 5). (N) 0251 - Variant is heterozygous. (N) 0301 - Variant is absent from gnomAD. (P) 0501 - Missense variant consistently predicted to be damaging by multiple in silico tools or highly conserved with a major amino acid change. (P) 0600 - Variant is located in an annotated domain or motif (CK II beta superfamily; NCBI, PDB). (N) 0603 - Missense variant in a region that is highly intolerant to missense variation (high constraint region). (P) 0705 - No comparable variants have previous evidence for pathogenicity. (N) 0807 - Variant has not previously been reported in a clinical context. (N) 0905 - No segregation evidence has been identified for this variant. (N) 1007 - No published functional evidence has been identified for this variant. (N) 1208 - Inheritance information for this variant is not currently available. (N) Legend: (P) - Pathogenic, (N) - Neutral, (B) - Benign

NM_001320.7(CSNK2B):c.325T>C (p.Cys109Arg)

Gene: CSNK2B (casein kinase 2 beta; plus strand). Cytogenetic location: 6p21.33.
Variant type: single nucleotide variant.
Coding change: c.325T>C on transcript NM_001320.7 (MANE Select); coding-DNA position 325, T replaced by C.
Protein change: p.Cys109Arg; replaces cysteine 109 with arginine.
Molecular consequence: missense variant.
Genome position (GRCh38, 1-based): chr6:31,669,130, T>C. VCF-style: chr6-31669130-T-C. GRCh37 (hg19) VCF-style: chr6-31636907-T-C.
Other names: c.325T>C (NM_001320.5); c.325T>C, p.Cys109Arg (NM_001282385.2); short protein forms C109R.
Identifiers: ClinVar variation 1805765 (VCV001805765.3), dbSNP rs2536966124, ClinGen allele CA363474875.